The following is an entry in ClinVar:

ClinVar aggregate classification (germline): Uncertain significance. Review status: criteria provided, multiple submitters, no conflicts (2 of 4 stars). 2 submissions from 2 submitters: Uncertain significance (2). Last evaluated 2024-08-15.

Conditions:
Inborn genetic diseases. Identifiers: MedGen C0950123, MeSH D030342.

Submissions (2):

Ambry Genetics
Classification: Uncertain significance for Inborn genetic diseases. Last evaluated: 2024-08-15. Review status: criteria provided, single submitter. Criteria: Ambry Variant Classification Scheme 2023. Collection method: clinical testing. Allele origin: germline.

Labcorp Genetics (formerly Invitae), Labcorp
Classification: Uncertain significance. Last evaluated: 2024-06-10. Review status: criteria provided, single submitter. Criteria: Invitae Variant Classification Sherloc (09022015). Collection method: clinical testing. Allele origin: germline.
Comment: This sequence change replaces methionine, which is neutral and non-polar, with valine, which is neutral and non-polar, at codon 1650 of the LAMA5 protein (p.Met1650Val). This variant is present in population databases (rs770470713, gnomAD 0.001%). This variant has not been reported in the literature in individuals affected with LAMA5-related conditions. An algorithm developed to predict the effect of missense changes on protein structure and function (PolyPhen-2) suggests that this variant is likely to be tolerated. In summary, the available evidence is currently insufficient to determine the role of this variant in disease. Therefore, it has been classified as a Variant of Uncertain Significance.

NM_005560.6(LAMA5):c.4948A>G (p.Met1650Val)

Gene: LAMA5 (laminin subunit alpha 5; minus strand). Cytogenetic location: 20q13.33.
Variant type: single nucleotide variant.
Coding change: c.4948A>G on transcript NM_005560.6 (MANE Select); coding-DNA position 4948, A replaced by G.
Protein change: p.Met1650Val; replaces methionine 1650 with valine.
Molecular consequence: missense variant.
Genome position (GRCh38, 1-based): chr20:62,327,397, T>C on the plus strand (A>G on the coding strand, the complement: LAMA5 is on the minus strand). VCF-style: chr20-62327397-T-C. GRCh37 (hg19) VCF-style: chr20-60902453-T-C.
Other names: short protein forms M1650V.
Identifiers: ClinVar variation 3537018 (VCV003537018.3).
Genomic context (GRCh38, chr20:62,327,397, plus strand): 5'-CTGGCTGCCGCTCGTGGGGCACCACCTGCCGGTCAGTGCTCAGCAGCACCCATCCCTCCA[T>C]ATCCACGAACTGTGGGCACACACGTGTGGCTGCACACGGGTGGATGCCCACACATCACAG-3'
Protein context (NP_005551.3, residues 1640-1660): SSYTRQEFVD[Met1650Val]EGWVLLSTDR